The following is an entry in ClinVar:

ClinVar aggregate classification (germline): Uncertain significance (1 of 4 stars; one submission).

Submission:

Labcorp Genetics (formerly Invitae), Labcorp
Classification: Uncertain significance. Last evaluated: 2022-07-19. Review status: criteria provided, single submitter. Criteria: Invitae Variant Classification Sherloc (09022015). Collection method: clinical testing. Allele origin: germline.
Comment: In summary, the available evidence is currently insufficient to determine the role of this variant in disease. Therefore, it has been classified as a Variant of Uncertain Significance. Algorithms developed to predict the effect of missense changes on protein structure and function (SIFT, PolyPhen-2, Align-GVGD) all suggest that this variant is likely to be disruptive. ClinVar contains an entry for this variant (Variation ID: 1407839). This variant has not been reported in the literature in individuals affected with ADAMTSL4-related conditions. This variant is not present in population databases (gnomAD no frequency). This sequence change replaces serine, which is neutral and polar, with tyrosine, which is neutral and polar, at codon 534 of the ADAMTSL4 protein (p.Ser534Tyr).

NM_019032.6(ADAMTSL4):c.1601C>A (p.Ser534Tyr)

Genes: ADAMTSL4 (ADAMTS like 4; plus strand), ADAMTSL4-AS2 (ADAMTSL4 antisense RNA 2; minus strand). Cytogenetic location: 1q21.2.
Variant type: single nucleotide variant.
Coding change: c.1601C>A on transcript NM_019032.6 (MANE Select); coding-DNA position 1601, C replaced by A.
Protein change: p.Ser534Tyr; replaces serine 534 with tyrosine.
Molecular consequence: missense variant.
Genome position (GRCh38, 1-based): chr1:150,556,645, C>A. VCF-style: chr1-150556645-C-A. GRCh37 (hg19) VCF-style: chr1-150529121-C-A.
Other names: c.1670C>A, p.Ser557Tyr (NM_001288607.2, NM_001288608.2); c.1601C>A, p.Ser534Tyr (NM_001378596.1, NM_025008.5); short protein forms S534Y, S557Y.
Identifiers: ClinVar variation 1407839 (VCV001407839.6), dbSNP rs2101627495, ClinGen allele CA342311009.
Genomic context (GRCh38, chr1:150,556,645, plus strand): 5'-CCTGGAATTTCCCGATCTCTCACCTCTGACCCGCAGCACTTCGTGGCCCTGGGGGCCGGT[C>A]CATCATCAATGGGAACTGGGCTGTGGATCCCCCTGGGTCCTACAGGGCCGGCGGGACCGT-3'
Protein context (NP_061905.2, residues 524-544): YLALRGPGGR[Ser534Tyr]IINGNWAVDP